The following is an entry in ClinVar:

ClinVar aggregate classification (germline): Uncertain significance (1 of 4 stars; one submission).

Conditions:
Dilated cardiomyopathy 1KK (CMD1KK). Identifiers: Orphanet 154, Orphanet 75249, MedGen C3714995, MONDO:0014100, OMIM 615248.

Allele frequency attached by ClinVar (database versions not stated): gnomAD exomes below 0.00001.
gnomAD v4.1: 1 of 1,614,078 alleles (0.000062%); no homozygotes.

Submission:

Labcorp Genetics (formerly Invitae), Labcorp
Classification: Uncertain significance for Dilated cardiomyopathy 1KK. Last evaluated: 2022-06-09. Review status: criteria provided, single submitter. Criteria: Invitae Variant Classification Sherloc (09022015). Collection method: clinical testing. Allele origin: germline.
Comment: ClinVar contains an entry for this variant (Variation ID: 1016256). Algorithms developed to predict the effect of missense changes on protein structure and function (SIFT, PolyPhen-2, Align-GVGD) all suggest that this variant is likely to be tolerated. This variant has not been reported in the literature in individuals affected with MYPN-related conditions. This variant is present in population databases (no rsID available, gnomAD 0.006%). This sequence change replaces histidine, which is basic and polar, with asparagine, which is neutral and polar, at codon 667 of the MYPN protein (p.His667Asn). In summary, the available evidence is currently insufficient to determine the role of this variant in disease. Therefore, it has been classified as a Variant of Uncertain Significance.

NM_032578.4(MYPN):c.1999C>A (p.His667Asn)

Gene: MYPN (myopalladin; plus strand). Cytogenetic location: 10q21.3.
Variant type: single nucleotide variant.
Coding change: c.1999C>A on transcript NM_032578.4 (MANE Select); coding-DNA position 1999, C replaced by A.
Protein change: p.His667Asn; replaces histidine 667 with asparagine.
Molecular consequence: missense variant. On other transcripts: non-coding transcript variant (2).
Genome position (GRCh38, 1-based): chr10:68,174,091, C>A. VCF-style: chr10-68174091-C-A. GRCh37 (hg19) VCF-style: chr10-69933848-C-A.
Other names: c.1999C>A, p.His667Asn (NM_001256267.2); c.1117C>A, p.His373Asn (NM_001256268.2); short protein forms H373N, H667N.
Identifiers: ClinVar variation 1016256 (VCV001016256.8), dbSNP rs1232931575, ClinGen allele CA376843225.